The following is an entry in ClinVar:

ClinVar aggregate classification (germline): Benign (0 of 4 stars; one submission).

Conditions:
TENM1-related disorder. Also called: TENM1-related condition.

Allele frequency attached by ClinVar (database versions not stated): gnomAD exomes 0.00016; ExAC 0.00054; ESP Exome Variant Server 0.00189; gnomAD 0.00210; TOPMed 0.00226; 1000 Genomes Project 30x 0.00291; 1000 Genomes Project 0.00344.
gnomAD v4.1: 435 of 1,209,764 alleles (0.036%); highest among the groups gnomAD compares: African/African-American, 0.68%; 2 homozygotes.

Submission:

PreventionGenetics, part of Exact Sciences
Classification: Benign for TENM1-related condition. Last evaluated: 2020-01-28. Review status: no assertion criteria provided. Collection method: clinical testing. Allele origin: germline.
Comment: This variant is classified as benign based on ACMG/AMP sequence variant interpretation guidelines (Richards et al. 2015 PMID: 25741868, with internal and published modifications).

NM_001163278.2(TENM1):c.6870G>A (p.Leu2290=)

Gene: TENM1 (teneurin transmembrane protein 1; minus strand). Cytogenetic location: Xq25.
Variant type: single nucleotide variant.
Coding change: c.6870G>A on transcript NM_001163278.2 (MANE Select); coding-DNA position 6870, G replaced by A.
Protein change: p.Leu2290=; no amino-acid change (leucine 2290 retained).
Molecular consequence: synonymous variant.
Genome position (GRCh38, 1-based): chrX:124,384,061, C>T on the plus strand (G>A on the coding strand, the complement: TENM1 is on the minus strand). VCF-style: chrX-124384061-C-T. GRCh37 (hg19) VCF-style: chrX-123517911-C-T.
Other names: c.6867G>A, p.Leu2289= (NM_001163279.1); c.6849G>A, p.Leu2283= (NM_014253.3).
Identifiers: ClinVar variation 3041444 (VCV003041444.2), dbSNP rs147055078, ClinGen allele CA10509464.